The following is an entry in ClinVar:

ClinVar aggregate classification (germline): Uncertain significance (1 of 4 stars; one submission).

Allele frequency attached by ClinVar (database versions not stated): gnomAD exomes below 0.00001; gnomAD 0.00001; TOPMed 0.00001; ExAC 0.00002.
gnomAD v4.1: 4 of 1,612,816 alleles (0.00025%); highest among the groups gnomAD compares: African/African-American, 0.004%; no homozygotes.

Submission:

Labcorp Genetics (formerly Invitae), Labcorp
Classification: Uncertain significance. Last evaluated: 2022-05-14. Review status: criteria provided, single submitter. Criteria: Invitae Variant Classification Sherloc (09022015). Collection method: clinical testing. Allele origin: germline.
Comment: Algorithms developed to predict the effect of missense changes on protein structure and function are either unavailable or do not agree on the potential impact of this missense change (SIFT: "Deleterious"; PolyPhen-2: "Probably Damaging"; Align-GVGD: "Class C0"). In summary, the available evidence is currently insufficient to determine the role of this variant in disease. Therefore, it has been classified as a Variant of Uncertain Significance. This variant has not been reported in the literature in individuals affected with MTHFD1-related conditions. This variant is present in population databases (rs764798781, gnomAD 0.01%). This sequence change replaces phenylalanine, which is neutral and non-polar, with leucine, which is neutral and non-polar, at codon 518 of the MTHFD1 protein (p.Phe518Leu).

NM_005956.4(MTHFD1):c.1552T>C (p.Phe518Leu)

Gene: MTHFD1 (methylenetetrahydrofolate dehydrogenase, cyclohydrolase and formyltetrahydrofolate synthetase 1; plus strand). Cytogenetic location: 14q23.3.
Variant type: single nucleotide variant.
Coding change: c.1552T>C on transcript NM_005956.4 (MANE Select); coding-DNA position 1552, T replaced by C.
Protein change: p.Phe518Leu; replaces phenylalanine 518 with leucine.
Molecular consequence: missense variant.
Genome position (GRCh38, 1-based): chr14:64,435,626, T>C. VCF-style: chr14-64435626-T-C. GRCh37 (hg19) VCF-style: chr14-64902344-T-C.
Other names: c.1552T>C, p.Phe518Leu (NM_001364837.1); short protein forms F518L.
Identifiers: ClinVar variation 2167898 (VCV002167898.4), dbSNP rs764798781, ClinGen allele CA7226285.